The following is an entry in ClinVar:

ClinVar aggregate classification (germline): Uncertain significance. Review status: criteria provided, multiple submitters, no conflicts (2 of 4 stars). 2 submissions from 2 submitters: Uncertain significance (2). Last evaluated 2025-03-18.

Conditions:
Inborn genetic diseases. Identifiers: MedGen C0950123, MeSH D030342.

Allele frequency attached by ClinVar (database versions not stated): ExAC 0.00001; gnomAD exomes 0.00001 and 0.00003.

Submissions (2):

Labcorp Genetics (formerly Invitae), Labcorp
Classification: Uncertain significance. Last evaluated: 2025-03-18. Review status: criteria provided, single submitter. Criteria: Invitae Variant Classification Sherloc (09022015). Collection method: clinical testing. Allele origin: germline.
Comment: This sequence change replaces aspartic acid, which is acidic and polar, with asparagine, which is neutral and polar, at codon 1117 of the GRIN2D protein (p.Asp1117Asn). The frequency data for this variant in the population databases is considered unreliable, as metrics indicate poor data quality at this position in the gnomAD database. This variant has not been reported in the literature in individuals affected with GRIN2D-related conditions. ClinVar contains an entry for this variant (Variation ID: 1475470). Invitae Evidence Modeling of protein sequence and biophysical properties (such as structural, functional, and spatial information, amino acid conservation, physicochemical variation, residue mobility, and thermodynamic stability) indicates that this missense variant is not expected to disrupt GRIN2D protein function with a negative predictive value of 95%. In summary, the available evidence is currently insufficient to determine the role of this variant in disease. Therefore, it has been classified as a Variant of Uncertain Significance.

Ambry Genetics
Classification: Uncertain significance for Inborn genetic diseases. Last evaluated: 2023-12-19. Review status: criteria provided, single submitter. Criteria: Ambry Variant Classification Scheme 2023. Collection method: clinical testing. Allele origin: germline.

NM_000836.4(GRIN2D):c.3349G>A (p.Asp1117Asn)

Gene: GRIN2D (glutamate ionotropic receptor NMDA type subunit 2D; plus strand). Cytogenetic location: 19q13.33.
Variant type: single nucleotide variant.
Coding change: c.3349G>A on transcript NM_000836.4 (MANE Select); coding-DNA position 3349, G replaced by A.
Protein change: p.Asp1117Asn; replaces aspartic acid 1117 with asparagine.
Molecular consequence: missense variant.
Genome position (GRCh38, 1-based): chr19:48,443,275, G>A. VCF-style: chr19-48443275-G-A. GRCh37 (hg19) VCF-style: chr19-48946532-G-A.
Other names: c.3349G>A (NM_000836.2); short protein forms D1117N.
Identifiers: ClinVar variation 1475470 (VCV001475470.7), dbSNP rs780920585, ClinGen allele CA9550836.